The following is an entry in ClinVar:

NM_000302.4(PLOD1):c.2163A>C (p.Ala721=)

Gene: PLOD1 (procollagen-lysine,2-oxoglutarate 5-dioxygenase 1; plus strand). Cytogenetic location: 1p36.22.
Variant type: single nucleotide variant.
Coding change: c.2163A>C on transcript NM_000302.4 (MANE Select); coding-DNA position 2163, A replaced by C.
Protein change: p.Ala721=; no amino-acid change (alanine 721 retained).
Molecular consequence: synonymous variant.
Genome position (GRCh38, 1-based): chr1:11,974,787, A>C. VCF-style: chr1-11974787-A-C. GRCh37 (hg19) VCF-style: chr1-12034844-A-C.
Other names: p.Ala721=; c.2304A>C, p.Ala768= (NM_001316320.2); c.2163A>C (NM_000302.3).
Identifiers: ClinVar variation 2727736 (VCV002727736.5), dbSNP rs1374848303, ClinGen allele CA416108479.

ClinVar aggregate classification (germline): Likely benign. Review status: criteria provided, multiple submitters, no conflicts (2 of 4 stars). 3 submissions from 3 submitters: Likely benign (3). Last evaluated 2025-10-22.

Conditions:
Familial thoracic aortic aneurysm and aortic dissection (TAAD). Also called: Thoracic aortic aneurysms and dissections. Identifiers: Orphanet 91387, MedGen C4707243, MONDO:0019625.
Ehlers-Danlos syndrome, kyphoscoliotic type 1 (EDSKSCL1). Also called: Ehlers-Danlos syndrome, hydroxylysine-deficient; EHLERS-DANLOS SYNDROME, OCULAR-SCOLIOTIC TYPE; PLOD1-Related Kyphoscoliotic Ehlers-Danlos Syndrome; EHLERS-DANLOS SYNDROME, TYPE VIA. Identifiers: Orphanet 1900, MedGen C0268342, MONDO:0016002, OMIM 225400. Disease mechanism: loss of function.

Allele frequency attached by ClinVar (database versions not stated): gnomAD 0.00001.
gnomAD v4.1: 5 of 1,613,996 alleles (0.00031%); highest among the groups gnomAD compares: Non-Finnish European, 0.00042%; no homozygotes.

Submissions (3):

Mayo Clinic Laboratories, Mayo Clinic
Classification: Likely benign. Last evaluated: 2025-10-22. Review status: criteria provided, single submitter. Criteria: ACMG Guidelines, 2015. Collection method: clinical testing. Allele origin: germline. Observed: 1 variant allele.
Comment: BP4, BP7

Ambry Genetics
Classification: Likely benign for Familial thoracic aortic aneurysm and aortic dissection. Last evaluated: 2024-12-28. Review status: criteria provided, single submitter. Criteria: Ambry Variant Classification Scheme 2023. Collection method: clinical testing. Allele origin: germline.

Labcorp Genetics (formerly Invitae), Labcorp
Classification: Likely benign for Ehlers-Danlos syndrome, kyphoscoliotic type 1. Last evaluated: 2022-11-11. Review status: criteria provided, single submitter. Criteria: Invitae Variant Classification Sherloc (09022015). Collection method: clinical testing. Allele origin: germline.